The following is an entry in ClinVar:

NM_005585.5(SMAD6):c.1451G>A (p.Cys484Tyr)

Gene: SMAD6 (SMAD family member 6; plus strand). Cytogenetic location: 15q22.31.
Variant type: single nucleotide variant.
Coding change: c.1451G>A on transcript NM_005585.5 (MANE Select); coding-DNA position 1451, G replaced by A.
Protein change: p.Cys484Tyr; replaces cysteine 484 with tyrosine.
Molecular consequence: missense variant. On other transcripts: non-coding transcript variant (1).
Genome position (GRCh38, 1-based): chr15:66,781,495, G>A. VCF-style: chr15-66781495-G-A. GRCh37 (hg19) VCF-style: chr15-67073833-G-A.
Other names: short protein forms C484Y.
Identifiers: ClinVar variation 449626 (VCV000449626.3), dbSNP rs387907283, ClinGen allele CA393202564.

ClinVar aggregate classification (germline): Uncertain significance. Review status: criteria provided, multiple submitters, no conflicts (2 of 4 stars). 2 submissions from 2 submitters: Uncertain significance (2). Last evaluated 2026-02-02.

Conditions:
Inborn genetic diseases. Identifiers: MedGen C0950123, MeSH D030342.

gnomAD v4.1: 7 of 1,574,560 alleles (0.00044%); highest among the groups gnomAD compares: Non-Finnish European, 0.00052%; no homozygotes.

Submissions (2):

Ambry Genetics
Classification: Uncertain significance for Inborn genetic diseases. Last evaluated: 2026-02-02. Review status: criteria provided, single submitter. Criteria: Ambry Variant Classification Scheme 2023. Collection method: clinical testing. Allele origin: germline.
Comment: The c.1451G>A (p.C484Y) alteration is located in exon 4 (coding exon 4) of the SMAD6 gene. This alteration results from a G to A substitution at nucleotide position 1451, causing the cysteine (C) at amino acid position 484 to be replaced by a tyrosine (Y). This variant was not reported in population-based cohorts in the Genome Aggregation Database (gnomAD). Another variant at the same codon, c.1451G>T (p.C484F), has been identified in individual(s) with features consistent with SMAD6-related disorders (Tan, 2012). This amino acid position is highly conserved in available vertebrate species. This alteration is predicted to be deleterious by in silico analysis. Based on insufficient or conflicting evidence, the clinical significance of this alteration remains unclear.

GeneDx
Classification: Uncertain significance. Last evaluated: 2015-11-25. Review status: criteria provided, single submitter. Criteria: GeneDx Variant Classification (06012015). Collection method: clinical testing. Allele origin: germline. Affected: yes.
Comment: The C484Y variant in the SMAD6 gene has not been reported previously as a pathogenic variant, nor as a benign variant, to our knowledge. The C484Y variant was not observed in approximately 6400 individuals of European and African American ancestry in the NHLBI Exome Sequencing Project, indicating it is not a common benign variant in these populations. The C484Y variant is a non-conservative amino acid substitution, which is likely to impact secondary protein structure as these residues differ in polarity, charge, size and/or other properties. This substitution occurs at a position that is conserved across species. In silico analysis predicts this variant is probably damaging to the protein structure/function. A missense variant in the same residue (C484F) has been reported in association with congenital cardiovascular malformation (Tan et al., 2012), supporting the functional importance of this region of the protein. We interpret C484Y as a variant of uncertain significance.

Literature cited by the submitters: PubMed 22275001 (cited by Ambry Genetics).